The following is an entry in ClinVar:

ClinVar aggregate classification (germline): Uncertain significance. Review status: criteria provided, multiple submitters, no conflicts (2 of 4 stars). 3 submissions from 3 submitters: Uncertain significance (2). 1 of the submissions does not count toward it. Last evaluated 2025-05-19.

Conditions:
NEFH-related disorder. Also called: NEFH-related condition.

gnomAD v4.1: 1 of 1,576,996 alleles (0.000063%); no homozygotes.

Submissions (3):

Labcorp Genetics (formerly Invitae), Labcorp
Classification: Uncertain significance. Last evaluated: 2025-05-19. Review status: criteria provided, single submitter. Criteria: Invitae Variant Classification Sherloc (09022015). Collection method: clinical testing. Allele origin: germline.
Comment: This sequence change replaces serine, which is neutral and polar, with tyrosine, which is neutral and polar, at codon 746 of the NEFH protein (p.Ser746Tyr). This variant is not present in population databases (gnomAD no frequency). This variant has not been reported in the literature in individuals affected with NEFH-related conditions. ClinVar contains an entry for this variant (Variation ID: 1423332). Invitae Evidence Modeling of protein sequence and biophysical properties (such as structural, functional, and spatial information, amino acid conservation, physicochemical variation, residue mobility, and thermodynamic stability) indicates that this missense variant is not expected to disrupt NEFH protein function with a negative predictive value of 95%. In summary, the available evidence is currently insufficient to determine the role of this variant in disease. Therefore, it has been classified as a Variant of Uncertain Significance.

Blueprint Genetics
Classification: Uncertain significance. Last evaluated: 2024-11-01. Review status: criteria provided, single submitter. Criteria: ACMG Guidelines, 2015. Collection method: clinical testing. Allele origin: germline.

PreventionGenetics, part of Exact Sciences
Classification: Uncertain significance for NEFH-related condition. Last evaluated: 2024-04-11. Review status: no assertion criteria provided. Collection method: clinical testing. Allele origin: germline. Not counted in ClinVar's aggregate classification.
Comment: The NEFH c.2237C>A variant is predicted to result in the amino acid substitution p.Ser746Tyr. To our knowledge, this variant has not been reported in the literature or in gnomAD, indicating this variant is rare. At this time, the clinical significance of this variant is uncertain due to the absence of conclusive functional and genetic evidence.

NM_021076.4(NEFH):c.2237C>A (p.Ser746Tyr)

Gene: NEFH (neurofilament heavy chain; plus strand). Cytogenetic location: 22q12.2.
Variant type: single nucleotide variant.
Coding change: c.2237C>A on transcript NM_021076.4 (MANE Select); coding-DNA position 2237, C replaced by A.
Protein change: p.Ser746Tyr; replaces serine 746 with tyrosine.
Molecular consequence: missense variant.
Genome position (GRCh38, 1-based): chr22:29,489,877, C>A. VCF-style: chr22-29489877-C-A. GRCh37 (hg19) VCF-style: chr22-29885866-C-A.
Other names: c.2237C>A (NM_021076.3); short protein forms S746Y.
Identifiers: ClinVar variation 1423332 (VCV001423332.10), dbSNP rs995261564, ClinGen allele CA323088718.